The following is an entry in ClinVar:

ClinVar aggregate classification (germline): Uncertain significance (1 of 4 stars; one submission).

Allele frequency attached by ClinVar (database versions not stated): TOPMed below 0.00001; gnomAD 0.00001.
gnomAD v4.1: 2 of 1,614,012 alleles (0.00012%); highest among the groups gnomAD compares: African/African-American, 0.0027%; no homozygotes.

Submission:

Ambry Genetics
Classification: Uncertain significance. Last evaluated: 2023-10-15. Review status: criteria provided, single submitter. Criteria: Ambry Variant Classification Scheme 2023. Collection method: clinical testing. Allele origin: germline.
Comment: The p.P285S variant (also known as c.853C>T), located in coding exon 3 of the ALPK2 gene, results from a C to T substitution at nucleotide position 853. The proline at codon 285 is replaced by serine, an amino acid with similar properties. This amino acid position is conserved. In addition, this alteration is predicted to be tolerated by in silico analysis. Since supporting evidence is limited at this time, the clinical significance of this alteration remains unclear.

NM_052947.4(ALPK2):c.853C>T (p.Pro285Ser)

Genes: ALPK2 (alpha kinase 2; minus strand), LOC114803473 (ALPK2 eExon liver enhancer; plus strand). Cytogenetic location: 18q21.31.
Variant type: single nucleotide variant.
Coding change: c.853C>T on transcript NM_052947.4 (MANE Select); coding-DNA position 853, C replaced by T.
Protein change: p.Pro285Ser; replaces proline 285 with serine.
Molecular consequence: missense variant.
Genome position (GRCh38, 1-based): chr18:58,579,923, G>A on the plus strand (C>T on the coding strand, the complement: ALPK2 is on the minus strand). VCF-style: chr18-58579923-G-A. GRCh37 (hg19) VCF-style: chr18-56247155-G-A.
Other names: short protein forms P285S.
Identifiers: ClinVar variation 3228870 (VCV003228870.1), dbSNP rs2051947654, ClinGen allele CA402567043.